The following is an entry in ClinVar:

ClinVar aggregate classification (germline): Likely benign. Review status: criteria provided, multiple submitters, no conflicts (2 of 4 stars). 2 submissions from 2 submitters: Likely benign (2). Last evaluated 2026-08-04.

Conditions:
SNRNP200-related disorder. Also called: SNRNP200-related condition.

Allele frequency attached by ClinVar (database versions not stated): gnomAD exomes 0.00001; TOPMed 0.00001; gnomAD 0.00002.
gnomAD v4.1: 19 of 1,603,264 alleles (0.0012%); highest among the groups gnomAD compares: African/African-American, 0.008%; no homozygotes.

Submissions (2):

PreventionGenetics, part of Exact Sciences
Classification: Likely benign for SNRNP200-related condition. Last evaluated: 2026-08-04. Review status: criteria provided, single submitter. Criteria: ACMG Guidelines, 2015. Collection method: clinical testing. Allele origin: germline.
Comment: This variant is classified as likely benign based on ACMG/AMP sequence variant interpretation guidelines (Richards et al. 2015 PMID: 25741868, with internal and published modifications).

Labcorp Genetics (formerly Invitae), Labcorp
Classification: Likely benign. Last evaluated: 2022-08-31. Review status: criteria provided, single submitter. Criteria: Invitae Variant Classification Sherloc (09022015). Collection method: clinical testing. Allele origin: germline.

NM_014014.5(SNRNP200):c.2314C>T (p.Leu772=)

Gene: SNRNP200 (small nuclear ribonucleoprotein U5 subunit 200; minus strand). Cytogenetic location: 2q11.2.
Variant type: single nucleotide variant.
Coding change: c.2314C>T on transcript NM_014014.5 (MANE Select); coding-DNA position 2314, C replaced by T.
Protein change: p.Leu772=; no amino-acid change (leucine 772 retained).
Molecular consequence: synonymous variant.
Genome position (GRCh38, 1-based): chr2:96,291,499, G>A on the plus strand (C>T on the coding strand, the complement: SNRNP200 is on the minus strand). VCF-style: chr2-96291499-G-A. GRCh37 (hg19) VCF-style: chr2-96957237-G-A.
Other names: c.2314C>T (NM_014014.4).
Identifiers: ClinVar variation 1568383 (VCV001568383.9), dbSNP rs775315762, ClinGen allele CA1778714.
Genomic context (GRCh38, chr2:96,291,499, plus strand): 5'-CCCTGGTCATGCCTGCGTGATGAATAGCAAAGCCATAAGGCAGAAGATCCTTCAGCTCTA[G>A]GTTCTGTGGAACAAAGAACCGGGGATGAGGCGAGCCTTCCTGTAGGACTCATCCAAGGAC-3'
Protein context (NP_054733.2, residues 762-782): LRTEAEQCKN[Leu772=]ELKDLLPYGF